The following is an entry in ClinVar:

NM_024753.5(TTC21B):c.1490T>C (p.Leu497Pro)

Gene: TTC21B (tetratricopeptide repeat domain 21B; minus strand). Cytogenetic location: 2q24.3.
Variant type: single nucleotide variant.
Coding change: c.1490T>C on transcript NM_024753.5 (MANE Select); coding-DNA position 1490, T replaced by C.
Protein change: p.Leu497Pro; replaces leucine 497 with proline.
Molecular consequence: missense variant.
Genome position (GRCh38, 1-based): chr2:165,924,575, A>G on the plus strand (T>C on the coding strand, the complement: TTC21B is on the minus strand). VCF-style: chr2-165924575-A-G. GRCh37 (hg19) VCF-style: chr2-166781085-A-G.
Other names: short protein forms L497P.
Identifiers: ClinVar variation 1713987 (VCV001713987.5), dbSNP rs2468197144, ClinGen allele CA349062206.
Genomic context (GRCh38, chr2:165,924,575, plus strand): 5'-TAAAAAGGTTAAAAGTTTTTAAGGTATACTCTACCTGACAAATATTTCACTTTTGCTATT[A>G]GGAAGACTGTTTGCAGAAGACCTGGAACAGTTCTTACTACAGTCTCCAGGACTGAGATGC-3'
Protein context (NP_079029.3, residues 487-507): TVPGLLQTVF[Leu497Pro]IAKVKYLSGD

ClinVar aggregate classification (germline): Uncertain significance (1 of 4 stars; one submission).

Conditions:
Jeune thoracic dystrophy. Also called: Short-rib thoracic dysplasia; Jeune syndrome; Infantile thoracic dystrophy; Thoracic pelvic phalangeal dystrophy; Jeune's syndrome; Chondroectodermal dysplasia-like syndrome. Identifiers: Orphanet 474, MedGen C0265275, MONDO:0018770.
Nephronophthisis. Also called: Juvenile Nephronophthisis. Identifiers: Orphanet 655, MedGen C0687120, MONDO:0019005, HP:0000090.

Submission:

Labcorp Genetics (formerly Invitae), Labcorp
Classification: Uncertain significance for Jeune thoracic dystrophy; Nephronophthisis. Last evaluated: 2025-02-03. Review status: criteria provided, single submitter. Criteria: Invitae Variant Classification Sherloc (09022015). Collection method: clinical testing. Allele origin: germline.
Comment: This sequence change replaces leucine, which is neutral and non-polar, with proline, which is neutral and non-polar, at codon 497 of the TTC21B protein (p.Leu497Pro). This variant is not present in population databases (gnomAD no frequency). This variant has not been reported in the literature in individuals affected with TTC21B-related conditions. ClinVar contains an entry for this variant (Variation ID: 1713987). Invitae Evidence Modeling of protein sequence and biophysical properties (such as structural, functional, and spatial information, amino acid conservation, physicochemical variation, residue mobility, and thermodynamic stability) has been performed for this missense variant. However, the output from this modeling did not meet the statistical confidence thresholds required to predict the impact of this variant on TTC21B protein function. In summary, the available evidence is currently insufficient to determine the role of this variant in disease. Therefore, it has been classified as a Variant of Uncertain Significance.